The following is an entry in ClinVar:

ClinVar aggregate classification (germline): Uncertain significance (1 of 4 stars; one submission).

gnomAD v4.1: 1 of 1,613,930 alleles (0.000062%); highest among the groups gnomAD compares: East Asian, 0.0022%; no homozygotes.

Submission:

Greenwood Genetic Center Diagnostic Laboratories, Greenwood Genetic Center
Classification: Uncertain significance. Last evaluated: 2024-08-12. Review status: criteria provided, single submitter. Criteria: ACMG Guidelines, 2015. Collection method: clinical testing. Allele origin: germline. Affected: yes.
Comment: PM2, BP4

NM_004113.6(FGF12):c.76C>T (p.His26Tyr)

Gene: FGF12 (fibroblast growth factor 12; minus strand). Cytogenetic location: 3q28.
Variant type: single nucleotide variant.
Coding change: c.76C>T on transcript NM_004113.6 (MANE Select); coding-DNA position 76, C replaced by T.
Protein change: p.His26Tyr; replaces histidine 26 with tyrosine.
Molecular consequence: missense variant. On other transcripts: intron variant (1).
Genome position (GRCh38, 1-based): chr3:192,360,476, G>A on the plus strand (C>T on the coding strand, the complement: FGF12 is on the minus strand). VCF-style: chr3-192360476-G-A. GRCh37 (hg19) VCF-style: chr3-192078265-G-A.
Other names: c.4C>T, p.His2Tyr (NM_001377293.1, NM_001377294.1); c.262C>T, p.His88Tyr (NM_021032.5); c.14-25012C>T (NM_001377292.1); short protein forms H26Y, H2Y, H88Y.
Identifiers: ClinVar variation 3765577 (VCV003765577.1).